The following is an entry in ClinVar:

ClinVar aggregate classification (germline): Pathogenic/Likely pathogenic. Review status: criteria provided, multiple submitters, no conflicts (2 of 4 stars). 2 submissions from 2 submitters: Pathogenic (1); Likely pathogenic (1). Last evaluated 2026-06-17.

Conditions:
Developmental and epileptic encephalopathy, 28 (DEE28). Also called: Epileptic encephalopathy, early infantile, 28. Identifiers: Orphanet 442835, MedGen C4015519, MONDO:0014533, OMIM 616211.
Autosomal recessive spinocerebellar ataxia 12. Also called: SPINOCEREBELLAR ATAXIA WITH MENTAL RETARDATION AND EPILEPSY. Identifiers: Orphanet 284282, MedGen C3280452, MONDO:0013687, OMIM 614322.
Developmental and epileptic encephalopathy, 1 (DEE1). Also called: INFANTILE SPASM SYNDROME, X-LINKED 1; X-linked infantile spasms; West's syndrome; Tonic spasms with clustering, arrest of psychomotor development and hypsarrhythmia on EEG; X-Linked Infantile Spasm Syndrome; OHTAHARA SYNDROME, X-LINKED. Identifiers: MedGen C3463992, MONDO:0010632, OMIM 308350. Disease mechanism: loss of function.

Submissions (2):

Institute of Human Genetics, University of Leipzig Medical Center
Classification: Pathogenic for Developmental and epileptic encephalopathy, 28. Last evaluated: 2026-06-17. Review status: criteria provided, single submitter. Criteria: ACMG Guidelines, 2015. Collection method: clinical testing. Allele origin: paternal. Inheritance: Autosomal recessive inheritance. Affected: yes.
Comment: Criteria applied: PM2,PVS1

Labcorp Genetics (formerly Invitae), Labcorp
Classification: Likely pathogenic for Developmental and epileptic encephalopathy, 1; Autosomal recessive spinocerebellar ataxia 12. Last evaluated: 2023-08-16. Review status: criteria provided, single submitter. Criteria: Invitae Variant Classification Sherloc (09022015). Collection method: clinical testing. Allele origin: germline.
Comment: In summary, the currently available evidence indicates that the variant is pathogenic, but additional data are needed to prove that conclusively. Therefore, this variant has been classified as Likely Pathogenic. Algorithms developed to predict the effect of sequence changes on RNA splicing suggest that this variant may disrupt the consensus splice site. This variant has not been reported in the literature in individuals affected with WWOX-related conditions. This variant is not present in population databases (gnomAD no frequency). This sequence change affects a donor splice site in intron 6 of the WWOX gene. It is expected to disrupt RNA splicing. Variants that disrupt the donor or acceptor splice site typically lead to a loss of protein function (PMID: 16199547), and loss-of-function variants in WWOX are known to be pathogenic (PMID: 24456803, 25411445).

Literature cited by the submitters: PubMed 16199547 (cited by Labcorp Genetics (formerly Invitae), Labcorp); PubMed 24456803 (cited by Labcorp Genetics (formerly Invitae), Labcorp); PubMed 25411445 (cited by Labcorp Genetics (formerly Invitae), Labcorp).

NM_016373.4(WWOX):c.605+2T>C

Gene: WWOX (WW domain containing oxidoreductase; plus strand). Cytogenetic location: 16q23.1.
Variant type: single nucleotide variant.
Coding change: c.605+2T>C on transcript NM_016373.4 (MANE Select); the canonical splice donor site of the intron after coding-DNA position 605, T replaced by C.
Molecular consequence: splice donor variant.
Genome position (GRCh38, 1-based): chr16:78,386,950, T>C. VCF-style: chr16-78386950-T-C. GRCh37 (hg19) VCF-style: chr16-78420847-T-C.
Other names: c.266+2T>C (NM_001291997.2).
Identifiers: ClinVar variation 2939366 (VCV002939366.4), dbSNP rs2507407106, ClinGen allele CA396844013.